The following is an entry in ClinVar:

ClinVar aggregate classification (germline): Pathogenic (1 of 4 stars; one submission).

Conditions:
Cardiomyopathy (CMYO). Also called: Cardiomyopathies. Identifiers: Orphanet 167848, MedGen C0878544, MONDO:0004994, HP:0001638. Inheritance: Various modes of inheritance.

Submission:

Color Diagnostics, LLC DBA Color Health
Classification: Pathogenic for Cardiomyopathy. Last evaluated: 2025-05-20. Review status: criteria provided, single submitter. Criteria: ACMG Guidelines, 2015. Collection method: clinical testing. Allele origin: germline.
Comment: This variant deletes 1 nucleotide in exon 2 of the PKP2 gene, creating a frameshift and premature translation stop signal. This variant is expected to result in an absent or non-functional protein product. To our knowledge, this variant has not been reported in individuals affected with PKP2-related disorders in the literature. This variant has not been identified in the general population by the Genome Aggregation Database (gnomAD). Loss of PKP2 function is a known mechanism of disease. Based on the available evidence, this variant is classified as Pathogenic.

NM_001005242.3(PKP2):c.227del (p.Asn76fs)

Gene: PKP2 (plakophilin 2; minus strand). Cytogenetic location: 12p11.21.
Variant type: Deletion.
Coding change: c.227del on transcript NM_001005242.3 (MANE Select); coding-DNA position 227, one base deleted (A; older notation c.227delA).
Protein change: p.Asn76fs; shifts the reading frame from asparagine 76.
Molecular consequence: frameshift variant. On other transcripts: 5 prime UTR variant (4).
Genome position (GRCh38, 1-based): chr12:32,879,029, T deleted on the plus strand (A on the coding strand, the reverse complement: PKP2 is on the minus strand); the first of 3 consecutive T bases (chr12:32,879,029-32,879,031); deleting any one gives the same sequence. VCF-style (leftmost placement, unchanged base first): chr12-32879028-AT-A. GRCh37 (hg19) VCF-style: chr12-33031962-AT-A.
Other names: c.227del, p.Asn76fs (NM_001407161.1, NM_004572.4, NM_001407155.1 and 2 more transcripts); c.-101del (NM_001407162.1, NM_001407158.1, NM_001407159.1 and 1 more transcripts); short protein forms N76fs.
Identifiers: ClinVar variation 4758711 (VCV004758711.1).